The following is an entry in ClinVar:

ClinVar aggregate classification (germline): Likely benign. Review status: criteria provided, multiple submitters, no conflicts (2 of 4 stars). 3 submissions from 3 submitters: Likely benign (2). 1 of the submissions does not count toward it. Last evaluated 2026-01-26.

Conditions:
Intellectual developmental disorder, autosomal dominant 41. Also called: Intellectual disability, autosomal dominant 41. Identifiers: Orphanet 2823, MedGen C4310784, MONDO:0014842, OMIM 616944.
Pierpont syndrome (PRPTS). Identifiers: Orphanet 487825, MedGen C1865644, MONDO:0011213, OMIM 602342.

Allele frequency attached by ClinVar (database versions not stated): gnomAD 0.00001 and 0.00003; TOPMed 0.00001; gnomAD exomes 0.00002 and 0.00005; ExAC 0.00004; 1000 Genomes Project 30x 0.00016.
gnomAD v4.1: 44 of 1,601,464 alleles (0.0027%); highest among the groups gnomAD compares: East Asian, 0.029%; no homozygotes.

Submissions (3):

Labcorp Genetics (formerly Invitae), Labcorp
Classification: Likely benign for Pierpont syndrome. Last evaluated: 2026-01-26. Review status: criteria provided, single submitter. Criteria: Invitae Variant Classification Sherloc (09022015). Collection method: clinical testing. Allele origin: germline.

Blueprint Genetics
Classification: Likely benign. Last evaluated: 2024-02-20. Review status: criteria provided, single submitter. Criteria: ACMG Guidelines, 2015. Collection method: clinical testing. Allele origin: germline.

Hong-Tao Li Lab, Institute of Brain Science and Brain-inspired Research, Shandong First Medical University & Shandong Academy of Medical Sciences China
Classification: Uncertain significance for Intellectual developmental disorder, autosomal dominant 41. Review status: no assertion criteria provided. Collection method: research. Allele origin: germline. Inheritance: Autosomal dominant inheritance. Affected: yes. Observed: 1 variant allele, 1 heterozygote. Not counted in ClinVar's aggregate classification.
Comment: Observed in affected individuals from a Pakistani neurodevelopmental-disorder research cohort of 263 individuals. Classification assigned using the ACMG/AMP framework. Population-frequency evidence: gnomAD AF 5.493e-05.

NM_024665.7(TBL1XR1):c.1220A>G (p.Asn407Ser)

Gene: TBL1XR1 (TBL1X/Y related 1; minus strand). Cytogenetic location: 3q26.32.
Variant type: single nucleotide variant.
Coding change: c.1220A>G on transcript NM_024665.7 (MANE Select); coding-DNA position 1220, A replaced by G.
Protein change: p.Asn407Ser; replaces asparagine 407 with serine.
Molecular consequence: missense variant.
Genome position (GRCh38, 1-based): chr3:177,034,228, T>C on the plus strand (A>G on the coding strand, the complement: TBL1XR1 is on the minus strand). VCF-style: chr3-177034228-T-C. GRCh37 (hg19) VCF-style: chr3-176752016-T-C.
Other names: c.959A>G, p.Asn320Ser (NM_001321195.3, NM_001374330.1); c.1220A>G, p.Asn407Ser (NM_001374327.1, NM_001374328.1, NM_001374329.1 and 2 more transcripts); short protein forms N320S, N407S.
Identifiers: ClinVar variation 1007986 (VCV001007986.11), dbSNP rs781011308, ClinGen allele CA2709816.